The following is an entry in ClinVar:

ClinVar aggregate classification (germline): Uncertain significance (1 of 4 stars; one submission).

Conditions:
Focal segmental glomerulosclerosis 5 (FSGS5). Identifiers: Orphanet 656, MedGen C2750475, MONDO:0013191, OMIM 613237.
Charcot-Marie-Tooth disease dominant intermediate E. Also called: CHARCOT-MARIE-TOOTH NEUROPATHY WITH FOCAL SEGMENTAL GLOMERULONEPHRITIS. Identifiers: Orphanet 93114, MedGen C4302667, MONDO:0013758, OMIM 614455.

Submission:

Labcorp Genetics (formerly Invitae), Labcorp
Classification: Uncertain significance for Charcot-Marie-Tooth disease dominant intermediate E; Focal segmental glomerulosclerosis 5. Last evaluated: 2024-12-16. Review status: criteria provided, single submitter. Criteria: Invitae Variant Classification Sherloc (09022015). Collection method: clinical testing. Allele origin: germline.
Comment: This sequence change creates a premature translational stop signal (p.Ser601Thrfs*42) in the INF2 gene. It is expected to result in an absent or disrupted protein product. However, the current clinical and genetic evidence is not sufficient to establish whether loss-of-function variants in INF2 cause disease. This variant is not present in population databases (gnomAD no frequency). This variant has not been reported in the literature in individuals affected with INF2-related conditions. ClinVar contains an entry for this variant (Variation ID: 2112890). In summary, the available evidence is currently insufficient to determine the role of this variant in disease. Therefore, it has been classified as a Variant of Uncertain Significance.

NM_022489.4(INF2):c.1794_1801dup (p.Ser601fs)

Gene: INF2 (inverted formin 2; plus strand). Cytogenetic location: 14q32.33.
Variant type: Duplication.
Coding change: c.1794_1801dup on transcript NM_022489.4 (MANE Select); coding-DNA positions 1794 to 1801, 8 bases duplicated (CTTCTCCA; older notation c.1794_1801dupCTTCTCCA).
Protein change: p.Ser601fs; shifts the reading frame from serine 601.
Molecular consequence: frameshift variant.
Genome position (GRCh38, 1-based): chr14:104,708,494-104,708,501, CTTCTCCA duplicated; duplicating any 8 consecutive bases within chr14:104,708,493-104,708,501 gives the same sequence; the c. name uses the placement nearest the transcript's 3' end. VCF-style (leftmost placement, unchanged base first): chr14-104708492-G-GACTTCTCC. GRCh37 (hg19) VCF-style: chr14-105174829-G-GACTTCTCC.
Other names: c.1794_1801dup, p.Ser601fs (NM_001031714.4); short protein forms S601fs.
Identifiers: ClinVar variation 2112890 (VCV002112890.4), dbSNP rs2541925439, ClinGen allele CA2580088500.